The following is an entry in ClinVar:

NM_000143.4(FH):c.839G>A (p.Gly280Asp)

Gene: FH (fumarate hydratase; minus strand). Cytogenetic location: 1q43.
Variant type: single nucleotide variant.
Coding change: c.839G>A on transcript NM_000143.4 (MANE Select); coding-DNA position 839, G replaced by A.
Protein change: p.Gly280Asp; replaces glycine 280 with aspartic acid.
Molecular consequence: missense variant.
Genome position (GRCh38, 1-based): chr1:241,506,068, C>T on the plus strand (G>A on the coding strand, the complement: FH is on the minus strand). VCF-style: chr1-241506068-C-T. GRCh37 (hg19) VCF-style: chr1-241669368-C-T.
Other names: p.G280D:GGT>GAT; short protein forms G280D.
Identifiers: ClinVar variation 214378 (VCV000214378.15), dbSNP rs863223969, ClinGen allele CA321464.

ClinVar aggregate classification (germline): Conflicting classifications of pathogenicity. Review status: criteria provided, conflicting classifications (1 of 4 stars). 3 submissions from 3 submitters: Likely pathogenic (2); Uncertain significance (1). Last evaluated 2024-11-14.

Conditions:
Hereditary cancer-predisposing syndrome. Also called: Tumor predisposition; Hereditary Cancer Syndrome; Hereditary neoplastic syndrome; Neoplastic Syndromes, Hereditary. Identifiers: Orphanet 140162, MedGen C0027672, MeSH D009386, MONDO:0015356.
Hereditary leiomyomatosis and renal cell cancer. Also called: LEIOMYOMA, MULTIPLE CUTANEOUS; Reed syndrome; Multiple cutaneous and uterine leiomyomatosis; Cutaneous leiomyomata with uterine leiomyomata; Leiomyoma, hereditary multiple, of skin; Multiple cutaneous and uterine leiomyomata. Identifiers: Orphanet 523, MedGen C1708350, MONDO:0007888, OMIM 150800, HP:0007437. Disease mechanism: loss of function.

Submissions (3):

GeneDx
Classification: Uncertain significance. Last evaluated: 2024-11-14. Review status: criteria provided, single submitter. Criteria: GeneDx Variant Classification Process June 2021. Collection method: clinical testing. Allele origin: germline. Affected: yes.
Comment: The G280D variant in the FH gene has not been published as a pathogenic variant, nor has it been reported as a benign variant to our knowledge. The G280D variant was not observed in approximately 6,500 individuals of European and African American ancestry in the NHLBI Exome Sequencing Project, indicating it is not a common benign variant in these populations. The G280D variant is a non-conservative amino acid substitution, which is likely to impact secondary protein structure as these residues differ in polarity, charge, size and/or other properties. This substitution occurs at a position that is conserved across species. In silico analysis predicts this variant is probably damaging to the protein structure/function. Missense variants in nearby residues (G275E, G282V) have been reported in the Human Gene Mutation Database in association with FH-related disorders, supporting the functional importance of this region of the protein. Therefore, based on the currently available information, it is unclear whether this variant is a pathogenic variant or a rare benign variant. We consider G280D to be a variant of uncertain significance.

Ambry Genetics
Classification: Likely pathogenic for Hereditary cancer-predisposing syndrome. Last evaluated: 2023-08-14. Review status: criteria provided, single submitter. Criteria: Ambry Variant Classification Scheme 2023. Collection method: clinical testing. Allele origin: germline.
Comment: The p.G280D variant (also known as c.839G>A), located in coding exon 6 of the FH gene, results from a G to A substitution at nucleotide position 839. The glycine at codon 280 is replaced by aspartic acid, an amino acid with similar properties. This alteration has been observed in at least one individual with a personal and/or family history that is consistent with FH-related disease (Ambry internal data). This variant has been observed in a cohort of renal cell carcinoma patients (Ricketts CJ et al. PLoS One, 2022 Dec 1:17(12)). Based on internal structural analysis, this variant is moderately destabilizing to the local structure (Ambry internal data; Ajalla Aleixo MA et al. FEBS J, 2019 05;286:1925-1940). This amino acid position is highly conserved in available vertebrate species. In addition, this alteration is predicted to be deleterious by in silico analysis. This variant is considered to be rare based on population cohorts in the Genome Aggregation Database (gnomAD). Based on the majority of available evidence to date, this variant is likely to be pathogenic.

Labcorp Genetics (formerly Invitae), Labcorp
Classification: Likely pathogenic. Last evaluated: 2022-06-04. Review status: criteria provided, single submitter. Criteria: Invitae Variant Classification Sherloc (09022015). Collection method: clinical testing. Allele origin: germline.
Comment: ClinVar contains an entry for this variant (Variation ID: 214378). This sequence change replaces glycine, which is neutral and non-polar, with aspartic acid, which is acidic and polar, at codon 280 of the FH protein (p.Gly280Asp). This variant is not present in population databases (gnomAD no frequency). This missense change has been observed in individual(s) with with clinical features of hereditary leiomyomatosis and renal cell carcinoma (Invitae). Advanced modeling of protein sequence and biophysical properties (such as structural, functional, and spatial information, amino acid conservation, physicochemical variation, residue mobility, and thermodynamic stability) performed at Invitae indicates that this missense variant is expected to disrupt FH protein function. In summary, the currently available evidence indicates that the variant is pathogenic, but additional data are needed to prove that conclusively. Therefore, this variant has been classified as Likely Pathogenic.

Literature cited by the submitters: PubMed 30761759 (cited by Ambry Genetics).